The following is an entry in ClinVar:

NM_001164508.2(NEB):c.12748-1G>A

Gene: NEB (nebulin; minus strand). Cytogenetic location: 2q23.3.
Variant type: single nucleotide variant.
Coding change: c.12748-1G>A on transcript NM_001164508.2 (MANE Select); the canonical splice acceptor site of the intron before coding-DNA position 12748, G replaced by A.
Molecular consequence: splice acceptor variant. On other transcripts: intron variant (1).
Genome position (GRCh38, 1-based): chr2:151,604,872, C>T on the plus strand (G>A on the coding strand, the complement: NEB is on the minus strand). VCF-style: chr2-151604872-C-T. GRCh37 (hg19) VCF-style: chr2-152461386-C-T.
Other names: c.11601+4937G>A (NM_004543.5); c.12748-1G>A (NM_001164507.2, NM_001271208.2).
Identifiers: ClinVar variation 2856609 (VCV002856609.3), dbSNP rs2552224228, ClinGen allele CA348774110.

ClinVar aggregate classification (germline): Likely pathogenic (1 of 4 stars; one submission).

Conditions:
Nemaline myopathy 2 (NEM2). Also called: Nemaline myopathy 2, autosomal recessive. Identifiers: MedGen C1850569, MONDO:0009725, OMIM 256030.

Submission:

Labcorp Genetics (formerly Invitae), Labcorp
Classification: Likely pathogenic for Nemaline myopathy 2. Last evaluated: 2023-08-11. Review status: criteria provided, single submitter. Criteria: Invitae Variant Classification Sherloc (09022015). Collection method: clinical testing. Allele origin: germline.
Comment: This variant has not been reported in the literature in individuals affected with NEB-related conditions. The frequency data for this variant in the population databases (gnomAD) is considered unreliable due to the presence of homologous sequence, such as pseudogenes or paralogs, in the genome. This sequence change affects an acceptor splice site in intron 84 of the NEB gene. It is expected to disrupt RNA splicing. Variants that disrupt the donor or acceptor splice site typically lead to a loss of protein function (PMID: 16199547), and loss-of-function variants in NEB are known to be pathogenic (PMID: 25205138). Algorithms developed to predict the effect of sequence changes on RNA splicing suggest that this variant may disrupt the consensus splice site. In summary, the currently available evidence indicates that the variant is pathogenic, but additional data are needed to prove that conclusively. Therefore, this variant has been classified as Likely Pathogenic. This variant occurs in a region of NEB (Exons 82-105) consisting of three highly homologous 8-exon repeat units (exons 82-89, exons 90-97, exons 98-105). Sequence variants in this region can be detected, but this assay cannot determine which of the three repeat units is affected, and zygosity is often ambiguous. All variants in this region are reported relative to the exon 82-89 repeat.

Literature cited by the submitters: PubMed 16199547; PubMed 25205138.